The following is an entry in ClinVar:

ClinVar aggregate classification (germline): Uncertain significance (1 of 4 stars; one submission).

Submission:

Greenwood Genetic Center Diagnostic Laboratories, Greenwood Genetic Center
Classification: Uncertain significance. Last evaluated: 2026-06-25. Review status: criteria provided, single submitter. Criteria: ACMG Guidelines, 2015. Collection method: clinical testing. Allele origin: germline.
Comment: PM2, PP2

NM_001267550.2(TTN):c.59702C>A (p.Pro19901Gln)

Genes: TTN (titin; minus strand), TTN-AS1 (TTN antisense RNA 1; plus strand), LOC126806424 (CDK7 strongly-dependent group 2 enhancer GRCh37_chr2:179456337-179457536; plus strand). Cytogenetic location: 2q31.2.
Variant type: single nucleotide variant.
Coding change: c.59702C>A on transcript NM_001267550.2 (MANE Select); coding-DNA position 59702, C replaced by A.
Protein change: p.Pro19901Gln; replaces proline 19901 with glutamine.
Molecular consequence: missense variant.
Genome position (GRCh38, 1-based): chr2:178,592,202, G>T on the plus strand (C>A on the coding strand, the complement: TTN is on the minus strand). VCF-style: chr2-178592202-G-T. GRCh37 (hg19) VCF-style: chr2-179456929-G-T.
Other names: c.54779C>A, p.Pro18260Gln (NM_001256850.1); c.32507C>A, p.Pro10836Gln (NM_003319.4); c.51998C>A, p.Pro17333Gln (NM_133378.4); c.32882C>A, p.Pro10961Gln (NM_133432.3); c.33083C>A, p.Pro11028Gln (NM_133437.4); short protein forms P10836Q, P10961Q, P11028Q, P17333Q, P18260Q, P19901Q.
Identifiers: ClinVar variation 4891182 (VCV004891182.1).